The following is an entry in ClinVar:

ClinVar aggregate classification (germline): Uncertain significance (1 of 4 stars; one submission).

Allele frequency attached by ClinVar (database versions not stated): gnomAD exomes below 0.00001.

Submission:

Labcorp Genetics (formerly Invitae), Labcorp
Classification: Uncertain significance. Last evaluated: 2022-09-13. Review status: criteria provided, single submitter. Criteria: Invitae Variant Classification Sherloc (09022015). Collection method: clinical testing. Allele origin: germline.
Comment: In summary, the available evidence is currently insufficient to determine the role of this variant in disease. Therefore, it has been classified as a Variant of Uncertain Significance. Advanced modeling of protein sequence and biophysical properties (such as structural, functional, and spatial information, amino acid conservation, physicochemical variation, residue mobility, and thermodynamic stability) performed at Invitae indicates that this missense variant is not expected to disrupt CDH3 protein function. ClinVar contains an entry for this variant (Variation ID: 1369570). This variant has not been reported in the literature in individuals affected with CDH3-related conditions. This variant is present in population databases (no rsID available, gnomAD 0.0009%). This sequence change replaces valine with methionine at codon 313 of the CDH3 protein (p.Val313Met). The valine residue is weakly conserved and there is a small physicochemical difference between valine and methionine.

NM_001793.6(CDH3):c.937G>A (p.Val313Met)

Gene: CDH3 (cadherin 3; plus strand). Cytogenetic location: 16q22.1.
Variant type: single nucleotide variant.
Coding change: c.937G>A on transcript NM_001793.6 (MANE Select); coding-DNA position 937, G replaced by A.
Protein change: p.Val313Met; replaces valine 313 with methionine.
Molecular consequence: missense variant.
Genome position (GRCh38, 1-based): chr16:68,681,037, G>A. VCF-style: chr16-68681037-G-A. GRCh37 (hg19) VCF-style: chr16-68714940-G-A.
Other names: c.937G>A, p.Val313Met (NM_001317195.3); c.772G>A, p.Val258Met (NM_001317196.2); short protein forms V258M, V313M.
Identifiers: ClinVar variation 1369570 (VCV001369570.7), dbSNP rs1306463432, ClinGen allele CA396451866.
Genomic context (GRCh38, chr16:68,681,037, plus strand): 5'-GAGTACACACTGACCATCCAGGCCACAGACATGGATGGGGACGGCTCCACCACCACGGCA[G>A]TGGCAGTAGTGGAGATCCTTGATGCCAATGACAATGCTCCCATGTTTGACCCCCAGAAGG-3'
Protein context (NP_001784.2, residues 303-323): MDGDGSTTTA[Val313Met]AVVEILDAND